The following is an entry in ClinVar:

ClinVar aggregate classification (germline): Likely benign (1 of 4 stars; one submission).

Allele frequency attached by ClinVar (database versions not stated): 1000 Genomes Project 30x 0.00031; ESP Exome Variant Server 0.00101; gnomAD 0.00211; TOPMed 0.00215; gnomAD exomes 0.00346; ExAC 0.00397.
gnomAD v4.1: 4,028 of 1,232,822 alleles (0.33%); highest among the groups gnomAD compares: Middle Eastern, 0.72%; 3 homozygotes.

Submission:

CeGaT Center for Human Genetics Tuebingen
Classification: Likely benign. Last evaluated: 2026-09-01. Review status: criteria provided, single submitter. Criteria: CeGaT Center For Human Genetics Tuebingen Variant Classification Criteria Version 2. Collection method: clinical testing. Allele origin: germline. Affected: yes. Observed: 8 variant alleles.
Comment: COX5A: BP4, BP7

NM_004255.4(COX5A):c.36C>T (p.Ala12=)

Genes: COX5A (cytochrome c oxidase subunit 5A; minus strand), LOC130057573 (ATAC-STARR-seq lymphoblastoid silent region 6661; plus strand). Cytogenetic location: 15q24.2.
Variant type: single nucleotide variant.
Coding change: c.36C>T on transcript NM_004255.4 (MANE Select); coding-DNA position 36, C replaced by T.
Protein change: p.Ala12=; no amino-acid change (alanine 12 retained).
Molecular consequence: synonymous variant.
Genome position (GRCh38, 1-based): chr15:74,937,979, G>A on the plus strand (C>T on the coding strand, the complement: COX5A is on the minus strand). VCF-style: chr15-74937979-G-A. GRCh37 (hg19) VCF-style: chr15-75230320-G-A.
Identifiers: ClinVar variation 2645552 (VCV002645552.24), dbSNP rs369373998, ClinGen allele CA7663015.